The following is an entry in ClinVar:

NM_001267550.2(TTN):c.60961_60962dup (p.Asn20321fs)

Genes: TTN (titin; minus strand), TTN-AS1 (TTN antisense RNA 1; plus strand). Cytogenetic location: 2q31.2.
Variant type: Duplication.
Coding change: c.60961_60962dup on transcript NM_001267550.2 (MANE Select); coding-DNA positions 60961 to 60962, 2 bases duplicated (AA; older notation c.60961_60962dupAA).
Protein change: p.Asn20321fs; shifts the reading frame from asparagine 20321.
Molecular consequence: frameshift variant.
Genome position (GRCh38, 1-based): chr2:178,590,763-178,590,764, TT duplicated on the plus strand (AA on the coding strand, the reverse complement: TTN is on the minus strand). VCF-style (leftmost placement, unchanged base first): chr2-178590762-G-GTT. GRCh37 (hg19) VCF-style: chr2-179455489-G-GTT.
Other names: c.56038_56039dup, p.Asn18680fs (NM_001256850.1); c.33766_33767dup, p.Asn11256fs (NM_003319.4); c.53257_53258dup, p.Asn17753fs (NM_133378.4); c.34141_34142dup, p.Asn11381fs (NM_133432.3); c.34342_34343dup, p.Asn11448fs (NM_133437.4); c.53257_53258dupAA (NM_133378.4); short protein forms N11448fs, N11381fs, N17753fs, N18680fs, N11256fs, N20321fs.
Identifiers: ClinVar variation 2932636 (VCV002932636.4), dbSNP rs2469449960, ClinGen allele CA2573332736.

ClinVar aggregate classification (germline): Likely pathogenic. Review status: criteria provided, multiple submitters, no conflicts (2 of 4 stars). 2 submissions from 2 submitters: Likely pathogenic (2). Last evaluated 2025-10-23.

Conditions:
Autosomal recessive limb-girdle muscular dystrophy type 2J (LGMDR10). Also called: Limb-girdle muscular dystrophy, type 2J; MUSCULAR DYSTROPHY, LIMB-GIRDLE, AUTOSOMAL RECESSIVE 10. Identifiers: Orphanet 140922, MedGen C1837342, MONDO:0012127, OMIM 608807.
Dilated cardiomyopathy 1G (CMD1G). Identifiers: Orphanet 154, MedGen C1858763, MONDO:0011400, OMIM 604145.
Primary familial dilated cardiomyopathy (FDC). Also called: Hypokinetic dilated cardiomyopathy, familial; Familial dilated cardiomyopathy. Identifiers: Orphanet 217607, MedGen C0340427, MONDO:0016333.

Allele frequency attached by ClinVar (database versions not stated): gnomAD exomes below 0.00001.

Submissions (2):

Labcorp Genetics (formerly Invitae), Labcorp
Classification: Likely pathogenic for Dilated cardiomyopathy 1G; Autosomal recessive limb-girdle muscular dystrophy type 2J. Last evaluated: 2025-10-23. Review status: criteria provided, single submitter. Criteria: Invitae Variant Classification Sherloc (09022015). Collection method: clinical testing. Allele origin: germline.
Comment: This sequence change creates a premature translational stop signal (p.Asn20321Lysfs*9) in the TTN gene. While this is not anticipated to result in nonsense mediated decay, it is expected to create a truncated TTN protein. This variant is not present in population databases (gnomAD no frequency). This premature translational stop signal has been observed in individual(s) with dilated cardiomyopathy (PMID: 31931689; internal data). ClinVar contains an entry for this variant (Variation ID: 2932636). This variant is located in the A band of TTN (PMID: 25589632). Truncating variants in this region are significantly overrepresented in patients affected with dilated cardiomyopathy (PMID: 25589632). Truncating variants in this region have also been reported in individuals affected with autosomal recessive centronuclear myopathy (PMID: 23975875). In summary, the currently available evidence indicates that the variant is pathogenic, but additional data are needed to prove that conclusively. Therefore, this variant has been classified as Likely Pathogenic.

Women's Health and Genetics/Laboratory Corporation of America, LabCorp
Classification: Likely pathogenic for Primary familial dilated cardiomyopathy. Last evaluated: 2025-07-18. Review status: criteria provided, single submitter. Criteria: LabCorp Variant Classification Summary - May 2015. Collection method: clinical testing. Allele origin: germline.
Comment: Variant summary: TTN c.53257_53258dupAA (p.Asn17753LysfsX9), also known as NM_001267550 c.60961_60962dupAA (p.Asn20321LysfsX9), results in a premature termination codon, predicted to cause a truncation of the encoded protein or absence of the protein due to nonsense mediated decay, which are commonly known mechanisms for disease. Loss of function variants in all TTN bands are strongly associated with a spectrum of autosomal recessive titinopathies when exon expression (proportion spliced in, PSI, 1=complete expression) in skeletal muscle is >0.1 (PMID: 36977548, 39198997, 29598826, 32778822, 29691892, 33449170, 36977548, internal data). In contrast, loss of function variants in all TTN bands are only strongly associated with autosomal dominant TTN-related cardiomyopathies if located in exons constitutively expressed (PSI >0.9) in cardiac muscle, excluding extreme C-terminal exons 359-363 (PMID: 25589632, 31216868, 32964742, 34662387, 27869827, Shetty et al., Nat Cardiovasc Res 2024,, internal data). This variant has a maximum skeletal muscle PSI of 0.963 and a maximum cardiac muscle PSI of 1.000. The variant was absent in 246982 control chromosomes. c.53257_53258dupAA has been observed in individual(s) affected with Dilated Cardiomyopathy (e.g. Ramchand_2020, internal data). These data indicate that the variant may be associated with disease. To our knowledge, no experimental evidence demonstrating an impact on protein function has been reported. The following publication has been ascertained in the context of this evaluation (PMID: 31931689). ClinVar contains an entry for this variant (Variation ID: 2932636). Based on the evidence outlined above, the variant was classified as likely pathogenic for both autosomal dominant and autosomal recessive TTN-related conditions.

Literature cited by the submitters: PubMed 31931689 (cited by Labcorp Genetics (formerly Invitae), Labcorp and Women's Health and Genetics/Laboratory Corporation of America, LabCorp); PubMed 25589632 (cited by Labcorp Genetics (formerly Invitae), Labcorp); PubMed 23975875 (cited by Labcorp Genetics (formerly Invitae), Labcorp).